The following is an entry in ClinVar:

ClinVar aggregate classification (germline): Uncertain significance (1 of 4 stars; one submission).

Conditions:
Brachyolmia-amelogenesis imperfecta syndrome. Also called: PLATYSPONDYLY WITH AMELOGENESIS IMPERFECTA; Tooth agenesis, selective, 6; Dental anomalies and short stature. Identifiers: Orphanet 2899, MedGen C1832594, MONDO:0011018, OMIM 601216. Disease mechanism: loss of function.

Submission:

Labcorp Genetics (formerly Invitae), Labcorp
Classification: Uncertain significance for Brachyolmia-amelogenesis imperfecta syndrome. Last evaluated: 2025-06-08. Review status: criteria provided, single submitter. Criteria: Invitae Variant Classification Sherloc (09022015). Collection method: clinical testing. Allele origin: germline.
Comment: This sequence change replaces tyrosine, which is neutral and polar, with phenylalanine, which is neutral and non-polar, at codon 1020 of the LTBP3 protein (p.Tyr1020Phe). This variant is not present in population databases (gnomAD no frequency). This variant has not been reported in the literature in individuals affected with LTBP3-related conditions. An algorithm developed to predict the effect of missense changes on protein structure and function (PolyPhen-2) suggests that this variant is likely to be disruptive. In summary, the available evidence is currently insufficient to determine the role of this variant in disease. Therefore, it has been classified as a Variant of Uncertain Significance.

NM_001130144.3(LTBP3):c.3059A>T (p.Tyr1020Phe)

Genes: LTBP3 (latent transforming growth factor beta binding protein 3; minus strand), LOC121832793 (Sharpr-MPRA regulatory region 4001; plus strand). Cytogenetic location: 11q13.1.
Variant type: single nucleotide variant.
Coding change: c.3059A>T on transcript NM_001130144.3 (MANE Select); coding-DNA position 3059, A replaced by T.
Protein change: p.Tyr1020Phe; replaces tyrosine 1020 with phenylalanine.
Molecular consequence: missense variant.
Genome position (GRCh38, 1-based): chr11:65,540,533, T>A on the plus strand (A>T on the coding strand, the complement: LTBP3 is on the minus strand). VCF-style: chr11-65540533-T-A. GRCh37 (hg19) VCF-style: chr11-65308004-T-A.
Other names: c.2708A>T, p.Tyr903Phe (NM_001164266.1); c.3059A>T, p.Tyr1020Phe (NM_021070.4); short protein forms Y903F, Y1020F.
Identifiers: ClinVar variation 4720688 (VCV004720688.1).